The following is an entry in ClinVar:

NM_080683.3(PTPN13):c.2834C>T (p.Pro945Leu)

Gene: PTPN13 (protein tyrosine phosphatase non-receptor type 13; plus strand). Cytogenetic location: 4q21.3.
Variant type: single nucleotide variant.
Coding change: c.2834C>T on transcript NM_080683.3 (MANE Select); coding-DNA position 2834, C replaced by T.
Protein change: p.Pro945Leu; replaces proline 945 with leucine.
Molecular consequence: missense variant. On other transcripts: intron variant (1).
Genome position (GRCh38, 1-based): chr4:86,750,653, C>T. VCF-style: chr4-86750653-C-T. GRCh37 (hg19) VCF-style: chr4-87671806-C-T.
Other names: c.2834C>T, p.Pro945Leu (NM_006264.3, NM_080685.3); c.2650+5525C>T (NM_080684.3); short protein forms P945L.
Identifiers: ClinVar variation 1049536 (VCV001049536.1), dbSNP rs573847252, ClinGen allele CA2996050.

ClinVar aggregate classification (germline): Uncertain significance (0 of 4 stars; one submission).

Allele frequency attached by ClinVar (database versions not stated): ExAC 0.00002; gnomAD 0.00002 and 0.00004; gnomAD exomes 0.00002; TOPMed 0.00002; 1000 Genomes Project 30x 0.00016; 1000 Genomes Project 0.00020.
gnomAD v4.1: 30 of 1,613,912 alleles (0.0019%); highest among the groups gnomAD compares: South Asian, 0.013%; no homozygotes.

Submission:

Department of Pathology and Laboratory Medicine, Sinai Health System
Classification: Uncertain significance. Review status: no assertion criteria provided. Collection method: clinical testing. Allele origin: unknown. Affected: yes. Study: The Canadian Open Genetics Repository (COGR).
Comment: The PTPN13 p.Pro945Leu variant was not identified in the literature nor was it identified in ClinVar or Cosmic. The variant was identified in dbSNP (ID: rs573847252) and in control databases in 5 of 234192 chromosomes at a frequency of 0.00002135 (Genome Aggregation Database March 6, 2019, v2.1.1, non-cancer). The variant was observed in the following populations: African in 1 of 14134 chromosomes (freq: 0.000071), South Asian in 2 of 30502 chromosomes (freq: 0.000066) and European (non-Finnish) in 2 of 101578 chromosomes (freq: 0.00002), but was not observed in the Latino, Ashkenazi Jewish, East Asian, European (Finnish), or Other populations. The p.Pro945 residue is conserved across mammals and other organisms, and computational analyses (PolyPhen-2, SIFT, AlignGVGD, BLOSUM, MutationTaster) suggest that the variant may impact the protein; however, this information is not predictive enough to assume pathogenicity. The variant occurs outside of the splicing consensus sequence and 1 of 4 in silico or computational prediction software programs (SpliceSiteFinder, MaxEntScan, NNSPLICE, GeneSplicer) predict a greater than 10% difference in splicing; this is not very predictive of pathogenicity. In summary, based on the above information the clinical significance of this variant cannot be determined with certainty at this time. This variant is classified as a variant of uncertain significance.